The following is an entry in ClinVar:

NM_194456.1(KRIT1):c.*1444T>G

Gene: KRIT1 (KRIT1 ankyrin repeat containing; minus strand). Cytogenetic location: 7q21.2.
Variant type: single nucleotide variant.
Coding change: c.*1444T>G on transcript NM_194456.1; 1444 bases downstream of the stop codon, T replaced by G.
Molecular consequence: 3 prime UTR variant.
Genome position (GRCh38, 1-based): chr7:92,199,292, A>C on the plus strand (T>G on the coding strand, the complement: KRIT1 is on the minus strand). VCF-style: chr7-92199292-A-C. GRCh37 (hg19) VCF-style: chr7-91828606-A-C.
Other names: c.*1444T>G (NM_001013406.2, NM_001350669.1, NM_001350670.1 and 29 more transcripts).
Identifiers: ClinVar variation 360864 (VCV000360864.7), dbSNP rs10240962, ClinGen allele CA10626535.
Genomic context (GRCh38, chr7:92,199,292, plus strand): 5'-TAGCACAGAATTAAAGATAAATCAGGCTTTCTTGTTAACTTTACTTAACCATACAATCTT[A>C]ATTTTAATAAGGCCTACATATAGTACCATTAAAAATAAGCAGAAGTTAATGTGAAGAATA-3'

ClinVar aggregate classification (germline): Benign. Review status: criteria provided, single submitter (1 of 4 stars). 2 submissions from 1 submitter: Benign (2). Last evaluated 2018-01-12.

Conditions:
Angiokeratoma corporis diffusum with arteriovenous fistulas. Identifiers: MedGen C1838141, MONDO:0010885, OMIM 600419.
Cerebral cavernous malformation (CCM). Also called: Cerebral cavernous hemangioma (type); Cerebral cavernous malformations; CAVERNOUS ANGIOMA, FAMILIAL; CAVERNOUS ANGIOMATOUS MALFORMATIONS; CEREBRAL CAPILLARY MALFORMATIONS; Cavernous Hemangioma of Brain. Identifiers: Orphanet 221061, MedGen C2919945, MONDO:0000820, OMIM 116860, HP:0033522.

Allele frequency attached by ClinVar (database versions not stated): 1000 Genomes Project 30x 0.02467; gnomAD 0.02495 and 0.02684; TOPMed 0.02801; 1000 Genomes Project 0.02336.

Submissions (2):

Illumina Laboratory Services, Illumina
Classification: Benign for Angiokeratoma corporis diffusum with arteriovenous fistulas. Last evaluated: 2018-01-12. Review status: criteria provided, single submitter. Criteria: ICSL Variant Classification Criteria 13 December 2019. Collection method: clinical testing. Allele origin: germline.
Comment: This variant was observed in the ICSL laboratory as part of a predisposition screen in an ostensibly healthy population. It had not been previously curated by ICSL or reported in the Human Gene Mutation Database (HGMD: prior to June 1st, 2018), and was therefore a candidate for classification through an automated scoring system. Utilizing variant allele frequency, disease prevalence and penetrance estimates, and inheritance mode, an automated score was calculated to assess if this variant is too frequent to cause the disease. Based on the score and internal cut-off values, a variant classified as benign is not then subjected to further curation. The score for this variant resulted in a classification of benign for this disease.

Illumina Laboratory Services, Illumina
Classification: Benign for Cerebral cavernous malformation. Last evaluated: 2018-01-12. Review status: criteria provided, single submitter. Criteria: ICSL Variant Classification Criteria 13 December 2019. Collection method: clinical testing. Allele origin: germline.
Comment: the same text as in the submission from Illumina Laboratory Services, Illumina above.